The following is an entry in ClinVar:

NM_000321.3(RB1):c.2590G>A (p.Glu864Lys)

Gene: RB1 (RB transcriptional corepressor 1; plus strand). Cytogenetic location: 13q14.2.
Variant type: single nucleotide variant.
Coding change: c.2590G>A on transcript NM_000321.3 (MANE Select); coding-DNA position 2590, G replaced by A.
Protein change: p.Glu864Lys; replaces glutamic acid 864 with lysine.
Molecular consequence: missense variant.
Genome position (GRCh38, 1-based): chr13:48,476,770, G>A. VCF-style: chr13-48476770-G-A. GRCh37 (hg19) VCF-style: chr13-49050906-G-A.
Other names: short protein forms E864K.
Identifiers: ClinVar variation 1053679 (VCV001053679.9), dbSNP rs2138359266, ClinGen allele CA388157370.

ClinVar aggregate classification (germline): Uncertain significance (1 of 4 stars; one submission).

Conditions:
Retinoblastoma (RB1). Also called: RETINOBLASTOMA, SOMATIC. Identifiers: Orphanet 790, MedGen C0035335, MeSH D012175, MONDO:0008380, OMIM 180200, HP:0009919. Disease mechanism: loss of function. Inheritance: Both sporadic and heritable forms are tested..

Submission:

Labcorp Genetics (formerly Invitae), Labcorp
Classification: Uncertain significance for Retinoblastoma. Last evaluated: 2020-02-10. Review status: criteria provided, single submitter. Criteria: Invitae Variant Classification Sherloc (09022015). Collection method: clinical testing. Allele origin: germline.
Comment: This variant has not been reported in the literature in individuals with RB1-related conditions. This variant is not present in population databases (ExAC no frequency). This sequence change replaces glutamic acid with lysine at codon 864 of the RB1 protein (p.Glu864Lys). The glutamic acid residue is highly conserved and there is a small physicochemical difference between glutamic acid and lysine. Algorithms developed to predict the effect of missense changes on protein structure and function are either unavailable or do not agree on the potential impact of this missense change (SIFT: "Deleterious"; PolyPhen-2: "Possibly Damaging"; Align-GVGD: "Class C15"). In summary, the available evidence is currently insufficient to determine the role of this variant in disease. Therefore, it has been classified as a Variant of Uncertain Significance.